The following is an entry in ClinVar:

NM_198252.3(GSN):c.578C>T (p.Ser193Phe)

Gene: GSN (gelsolin; plus strand). Cytogenetic location: 9q33.2.
Variant type: single nucleotide variant.
Coding change: c.578C>T on transcript NM_198252.3 (MANE Select); coding-DNA position 578, C replaced by T.
Protein change: p.Ser193Phe; replaces serine 193 with phenylalanine.
Molecular consequence: missense variant. On other transcripts: 5 prime UTR variant (1).
Genome position (GRCh38, 1-based): chr9:121,312,403, C>T. VCF-style: chr9-121312403-C-T. GRCh37 (hg19) VCF-style: chr9-124074681-C-T.
Other names: c.731C>T, p.Ser244Phe (NM_000177.5); c.578C>T, p.Ser193Phe (NM_001127662.2, NM_001127664.2, NM_001127665.2 and 10 more transcripts); c.686C>T, p.Ser229Phe (NM_001127663.2); c.611C>T, p.Ser204Phe (NM_001127666.2, NM_001127667.2, NM_001353063.2 and 13 more transcripts); c.629C>T, p.Ser210Phe (NM_001258029.2); c.602C>T, p.Ser201Phe (NM_001258030.2); c.650C>T, p.Ser217Phe (NM_001353076.2); c.-77C>T (NM_001353078.2); short protein forms S201F, S193F, S217F, S229F, S244F, S210F, S204F.
Identifiers: ClinVar variation 2751930 (VCV002751930.3), dbSNP rs2540798599, ClinGen allele CA374740766.

ClinVar aggregate classification (germline): Uncertain significance (1 of 4 stars; one submission).

Submission:

Labcorp Genetics (formerly Invitae), Labcorp
Classification: Uncertain significance. Last evaluated: 2023-08-11. Review status: criteria provided, single submitter. Criteria: Invitae Variant Classification Sherloc (09022015). Collection method: clinical testing. Allele origin: germline.
Comment: This sequence change replaces serine, which is neutral and polar, with phenylalanine, which is neutral and non-polar, at codon 244 of the GSN protein (p.Ser244Phe). This variant is not present in population databases (gnomAD no frequency). This variant has not been reported in the literature in individuals affected with GSN-related conditions. Advanced modeling of protein sequence and biophysical properties (such as structural, functional, and spatial information, amino acid conservation, physicochemical variation, residue mobility, and thermodynamic stability) performed at Invitae indicates that this missense variant is expected to disrupt GSN protein function. In summary, the available evidence is currently insufficient to determine the role of this variant in disease. Therefore, it has been classified as a Variant of Uncertain Significance.